The following is an entry in ClinVar:

ClinVar aggregate classification (germline): Likely pathogenic (1 of 4 stars; one submission).

Conditions:
Centromeric instability of chromosomes 1,9 and 16 and immunodeficiency (ICF1). Also called: Immunodeficiency-centromeric instability-facial anomalies; CENTROMERIC INSTABILITY, IMMUNODEFICIENCY SYNDROME; IMMUNE DEFICIENCY, VARIABLE, WITH CENTROMERIC INSTABILITY OF CHROMOSOMES 1, 9, AND 16; IMMUNODEFICIENCY SYNDROME, VARIABLE. Identifiers: Orphanet 2268, MedGen C0398788, MONDO:0000133.

Allele frequency attached by ClinVar (database versions not stated): gnomAD exomes below 0.00001.
gnomAD v4.1: 1 of 1,614,124 alleles (0.000062%); highest among the groups gnomAD compares: South Asian, 0.0011%; no homozygotes.

Submission:

Labcorp Genetics (formerly Invitae), Labcorp
Classification: Likely pathogenic for Centromeric instability of chromosomes 1,9 and 16 and immunodeficiency. Last evaluated: 2022-12-04. Review status: criteria provided, single submitter. Criteria: Invitae Variant Classification Sherloc (09022015). Collection method: clinical testing. Allele origin: germline.
Comment: This sequence change replaces arginine, which is basic and polar, with glutamine, which is neutral and polar, at codon 670 of the DNMT3B protein (p.Arg670Gln). This variant is not present in population databases (gnomAD no frequency). This missense change has been observed in individual(s) with Immunodeficiency-centromeric instability-facial anomalies syndrome (PMID: 28128455). It has also been observed to segregate with disease in related individuals. Advanced modeling of protein sequence and biophysical properties (such as structural, functional, and spatial information, amino acid conservation, physicochemical variation, residue mobility, and thermodynamic stability) performed at Invitae indicates that this missense variant is not expected to disrupt DNMT3B protein function. In summary, the currently available evidence indicates that the variant is pathogenic, but additional data are needed to prove that conclusively. Therefore, this variant has been classified as Likely Pathogenic.

Literature cited by the submitters: PubMed 28128455.

NM_006892.4(DNMT3B):c.2009G>A (p.Arg670Gln)

Gene: DNMT3B (DNA methyltransferase 3 beta; plus strand). Cytogenetic location: 20q11.21.
Variant type: single nucleotide variant.
Coding change: c.2009G>A on transcript NM_006892.4 (MANE Select); coding-DNA position 2009, G replaced by A.
Protein change: p.Arg670Gln; replaces arginine 670 with glutamine.
Molecular consequence: missense variant.
Genome position (GRCh38, 1-based): chr20:32,801,290, G>A. VCF-style: chr20-32801290-G-A. GRCh37 (hg19) VCF-style: chr20-31389096-G-A.
Other names: c.1823G>A, p.Arg608Gln (NM_001207055.2, NM_001424354.1, NM_001424357.1); c.1721G>A, p.Arg574Gln (NM_001207056.2); c.2009G>A, p.Arg670Gln (NM_001424351.1, NM_001424355.1); c.1883G>A, p.Arg628Gln (NM_001424352.1, NM_001424356.1, NM_001424358.1); c.1949G>A, p.Arg650Gln (NM_001424353.1, NM_175848.2, NM_175849.2); c.1985G>A, p.Arg662Gln (NM_001424359.1, NM_175850.3); c.1859G>A, p.Arg620Gln (NM_001424360.1); short protein forms R628Q, R608Q, R650Q, R620Q, R662Q, R574Q, R670Q.
Identifiers: ClinVar variation 2741913 (VCV002741913.3), dbSNP rs2515648455, ClinGen allele CA408589083.
Genomic context (GRCh38, chr20:32,801,290, plus strand): 5'-GCTGGAGGTTTCAAATGAACCCTGCGCTGTCATCTTTTCTGAGCACAGAGGGTACAGGCC[G>A]GCTCTTCTTCGAATTTTACCACCTGCTGAATTACTCACGCCCCAAGGAGGGTGATGACCG-3'
Protein context (NP_008823.1, residues 660-680): ARKGLYEGTG[Arg670Gln]LFFEFYHLLN